The following is an entry in ClinVar:

ClinVar aggregate classification (germline): Uncertain significance (1 of 4 stars; one submission).

Conditions:
GRIK2-related disorder. Also called: GRIK2-related condition.

Submission:

PreventionGenetics, part of Exact Sciences
Classification: Uncertain significance for GRIK2-related condition. Last evaluated: 2022-11-10. Review status: criteria provided, single submitter. Criteria: ACMG Guidelines, 2015. Collection method: clinical testing. Allele origin: germline.
Comment: The GRIK2 c.1735T>C variant is predicted to result in the amino acid substitution p.Phe579Leu. To our knowledge, this variant has not been reported in the literature or in a large population database, indicating this variant is rare. At this time, the clinical significance of this variant is uncertain due to the absence of conclusive functional and genetic evidence.

NM_021956.5(GRIK2):c.1735T>C (p.Phe579Leu)

Gene: GRIK2 (glutamate ionotropic receptor kainate type subunit 2; plus strand). Cytogenetic location: 6q16.3.
Variant type: single nucleotide variant.
Coding change: c.1735T>C on transcript NM_021956.5 (MANE Select); coding-DNA position 1735, T replaced by C.
Protein change: p.Phe579Leu; replaces phenylalanine 579 with leucine.
Molecular consequence: missense variant.
Genome position (GRCh38, 1-based): chr6:101,889,850, T>C. VCF-style: chr6-101889850-T-C. GRCh37 (hg19) VCF-style: chr6-102337725-T-C.
Other names: c.1735T>C, p.Phe579Leu (NM_001166247.1, NM_175768.3); short protein forms F579L.
Identifiers: ClinVar variation 2635501 (VCV002635501.1), dbSNP rs2484646160, ClinGen allele CA365309717.